The following is an entry in ClinVar:

ClinVar aggregate classification (germline): Uncertain significance (1 of 4 stars; one submission).

Submission:

Women's Health and Genetics/Laboratory Corporation of America, LabCorp
Classification: Uncertain significance. Last evaluated: 2026-04-15. Review status: criteria provided, single submitter. Criteria: LabCorp Variant Classification Summary - May 2015. Collection method: clinical testing. Allele origin: germline.
Comment: Variant summary: KAT6B c.224A>T (p.Asp75Val) results in a non-conservative amino acid change in the encoded protein sequence. Algorithms developed to predict the effect of missense changes on protein structure and function all suggest that this variant is likely to be disruptive. The variant was absent in 251440 control chromosomes. The available data on variant occurrences in the general population are insufficient to allow any conclusion about variant significance. To our knowledge, no occurrence of c.224A>T in individuals affected with KAT6B-related conditions and no experimental evidence demonstrating its impact on protein function have been reported. No submitters have cited clinical-significance assessments for this variant to ClinVar. Based on the evidence outlined above, the variant was classified as uncertain significance.

NM_012330.4(KAT6B):c.224A>T (p.Asp75Val)

Gene: KAT6B (lysine acetyltransferase 6B; plus strand). Cytogenetic location: 10q22.2.
Variant type: single nucleotide variant.
Coding change: c.224A>T on transcript NM_012330.4 (MANE Select); coding-DNA position 224, A replaced by T.
Protein change: p.Asp75Val; replaces aspartic acid 75 with valine.
Molecular consequence: missense variant. On other transcripts: 5 prime UTR variant (2).
Genome position (GRCh38, 1-based): chr10:74,843,081, A>T. VCF-style: chr10-74843081-A-T. GRCh37 (hg19) VCF-style: chr10-76602839-A-T.
Other names: c.224A>T, p.Asp75Val (NM_001256468.2, NM_001256469.2, NM_001370132.1 and 10 more transcripts); c.-315A>T (NM_001370134.1, NM_001370135.1); short protein forms D75V.
Identifiers: ClinVar variation 4848536 (VCV004848536.1).